The following is an entry in ClinVar:

ClinVar aggregate classification (germline): Pathogenic (1 of 4 stars; one submission).

Submission:

GeneDx
Classification: Pathogenic. Last evaluated: 2019-11-14. Review status: criteria provided, single submitter. Criteria: GeneDx Variant Classification Process June 2021. Collection method: clinical testing. Allele origin: germline. Affected: yes.
Comment: Nonsense variant predicted to result in protein truncation or nonsense mediated decay in a gene for which loss-of-function is a known mechanism of disease; Not observed in large population cohorts (Lek et al., 2016); Has not been previously published as pathogenic or benign to our knowledge

NM_001079872.2(CUL4B):c.2158G>T (p.Glu720Ter)

Gene: CUL4B (cullin 4B; minus strand). Cytogenetic location: Xq24.
Variant type: single nucleotide variant.
Coding change: c.2158G>T on transcript NM_001079872.2 (MANE Select); coding-DNA position 2158, G replaced by T.
Protein change: p.Glu720Ter; replaces glutamic acid 720 with a stop codon.
Molecular consequence: nonsense.
Genome position (GRCh38, 1-based): chrX:120,535,832, C>A on the plus strand (G>T on the coding strand, the complement: CUL4B is on the minus strand). VCF-style: chrX-120535832-C-A. GRCh37 (hg19) VCF-style: chrX-119669687-C-A.
Other names: c.2173G>T, p.Glu725Ter (NM_001330624.2); c.1624G>T, p.Glu542Ter (NM_001369145.1); c.2212G>T, p.Glu738Ter (NM_003588.4); short protein forms E542*, E720*, E725*, E738*.
Identifiers: ClinVar variation 1202879 (VCV001202879.3), dbSNP rs867783098, ClinGen allele CA414194635.